The following is an entry in ClinVar:

ClinVar aggregate classification (germline): Likely benign. Review status: criteria provided, single submitter (1 of 4 stars). 2 submissions from 2 submitters: Likely benign (1). 1 of the submissions does not count toward it. Last evaluated 2025-11-27.

Conditions:
DNAH11-related disorder. Also called: DNAH11-related condition.
Primary ciliary dyskinesia. Also called: Ciliary dyskinesia. Identifiers: Orphanet 244, MedGen C0008780, MONDO:0016575, HP:0012265.

Allele frequency attached by ClinVar (database versions not stated): gnomAD exomes 0.00002; ExAC 0.00003; gnomAD 0.00007; TOPMed 0.00009; ESP Exome Variant Server 0.00025.
gnomAD v4.1: 172 of 1,612,186 alleles (0.011%); highest among the groups gnomAD compares: Non-Finnish European, 0.014%; no homozygotes.

Submissions (2):

Labcorp Genetics (formerly Invitae), Labcorp
Classification: Likely benign for Primary ciliary dyskinesia. Last evaluated: 2025-11-27. Review status: criteria provided, single submitter. Criteria: Invitae Variant Classification Sherloc (09022015). Collection method: clinical testing. Allele origin: germline.

PreventionGenetics, part of Exact Sciences
Classification: Likely benign for DNAH11-related condition. Last evaluated: 2019-10-14. Review status: no assertion criteria provided. Collection method: clinical testing. Allele origin: germline. Not counted in ClinVar's aggregate classification.
Comment: This variant is classified as likely benign based on ACMG/AMP sequence variant interpretation guidelines (Richards et al. 2015 PMID: 25741868, with internal and published modifications).

NM_001277115.2(DNAH11):c.8316+7G>A

Gene: DNAH11 (dynein axonemal heavy chain 11; plus strand). Cytogenetic location: 7p15.3.
Variant type: single nucleotide variant.
Coding change: c.8316+7G>A on transcript NM_001277115.2 (MANE Select); 7 bases into the intron after coding-DNA position 8316, G replaced by A.
Molecular consequence: intron variant.
Genome position (GRCh38, 1-based): chr7:21,744,606, G>A. VCF-style: chr7-21744606-G-A. GRCh37 (hg19) VCF-style: chr7-21784224-G-A.
Identifiers: ClinVar variation 359655 (VCV000359655.15), dbSNP rs369837420, ClinGen allele CA4181542.